The following is an entry in ClinVar:

NM_000138.5(FBN1):c.2294-1G>T

Gene: FBN1 (fibrillin 1; minus strand). Cytogenetic location: 15q21.1.
Variant type: single nucleotide variant.
Coding change: c.2294-1G>T on transcript NM_000138.5 (MANE Select); the canonical splice acceptor site of the intron before coding-DNA position 2294, G replaced by T.
Molecular consequence: splice acceptor variant.
Genome position (GRCh38, 1-based): chr15:48,496,226, C>A on the plus strand (G>T on the coding strand, the complement: FBN1 is on the minus strand). VCF-style: chr15-48496226-C-A. GRCh37 (hg19) VCF-style: chr15-48788423-C-A.
Other names: c.2294-1G>T (NM_001406716.1).
Identifiers: ClinVar variation 419500 (VCV000419500.6), dbSNP rs1064793914, ClinGen allele CA16619967.

ClinVar aggregate classification (germline): Pathogenic/Likely pathogenic. Review status: criteria provided, multiple submitters, no conflicts (2 of 4 stars). 3 submissions from 3 submitters: Pathogenic (2); Likely pathogenic (1). Last evaluated 2025-02-03.

Conditions:
Cardiovascular phenotype. Identifiers: MedGen CN230736.
Connective tissue disorder. Also called: Connective tissue disease. Identifiers: MedGen C0009782, MONDO:0003900.

Submissions (3):

GeneDx
Classification: Pathogenic. Last evaluated: 2025-02-03. Review status: criteria provided, single submitter. Criteria: GeneDx Variant Classification Process June 2021. Collection method: clinical testing. Allele origin: germline. Affected: yes.
Comment: Canonical splice site variant predicted to result in an in-frame loss of the adjacent exon in a gene for which loss of function is a known mechanism of disease; Not observed at significant frequency in large population cohorts (gnomAD); Has not been previously published as pathogenic or benign to our knowledge

Genome Diagnostics Laboratory, The Hospital for Sick Children
Classification: Pathogenic for Connective tissue disorder. Last evaluated: 2022-01-18. Review status: criteria provided, single submitter. Criteria: ACMG Guidelines, 2015. Collection method: clinical testing. Allele origin: germline.

Molecular Diagnostic Laboratory for Inherited Cardiovascular Disease, Montreal Heart Institute
Classification: Likely pathogenic for Cardiovascular phenotype. Last evaluated: 2021-02-03. Review status: criteria provided, single submitter. Criteria: ACMG Guidelines, 2015. Collection method: clinical testing. Allele origin: germline. Affected: yes.